The following is an entry in ClinVar:

NM_018486.3(HDAC8):c.738-1619G>A

Gene: HDAC8 (histone deacetylase 8; minus strand). Cytogenetic location: Xq13.1.
Variant type: single nucleotide variant.
Coding change: c.738-1619G>A on transcript NM_018486.3 (MANE Select); 1619 bases into the intron before coding-DNA position 738, G replaced by A.
Molecular consequence: intron variant.
Genome position (GRCh38, 1-based): chrX:72,466,350, C>T on the plus strand (G>A on the coding strand, the complement: HDAC8 is on the minus strand). VCF-style: chrX-72466350-C-T. GRCh37 (hg19) VCF-style: chrX-71686200-C-T.
Other names: c.465-1619G>A (NM_001166418.2).
Identifiers: ClinVar variation 1679567 (VCV001679567.2), dbSNP rs2148050178, ClinGen allele CA2573159619.

ClinVar aggregate classification (germline): Uncertain significance. Review status: criteria provided, multiple submitters, no conflicts (2 of 4 stars). 2 submissions from 2 submitters: Uncertain significance (2). Last evaluated 2022-09-09.

Conditions:
Cornelia de Lange syndrome 5 (CDLS5). Also called: HDAC8-Related Cornelia de Lange Syndrome. Identifiers: Orphanet 199, MedGen C3550903, MONDO:0010471, OMIM 300882.

Submissions (2):

Baylor Genetics
Classification: Uncertain significance for Cornelia de Lange syndrome 5. Last evaluated: 2022-09-09. Review status: criteria provided, single submitter. Criteria: ACMG Guidelines, 2015. Collection method: clinical testing. Allele origin: unknown.

New York Genome Center
Classification: Uncertain significance for Cornelia de Lange syndrome 5. Last evaluated: 2021-04-23. Review status: criteria provided, single submitter. Criteria: NYGC Assertion Criteria 2020. Collection method: clinical testing. Allele origin: germline. Observed: 1 heterozygote. Study: CSER-NYCKidSeq.
Comment: The heterozygous c.738-1619G>A variant identified in the HDAC8 gene is a deep intronic single nucleotide variant that substitutes a conserved Cytosine for Thymine (at the nucleotide level) within intron 7/10. This variant is absent from gnomAD(v3.1.1) suggesting it is not a common benign variant in the populations represented in that database. SpliceAI predicts this variant to lead to the gain of a splice acceptor site approximately 2bp upstream of the variant (delta score=0.87), and the Transcript inferred Pathogenicity Score (TraP) is 0.286, which is between 95-97.5% score-percentile, suggesting it is probably damaging to splicing. This variant is absent from ClinVar and to our current knowledge has not been reported in affected individuals in the literature. Given the lack of compelling evidence for its pathogenicity, the deep intronic c.738-1619G>A variant identified in the HDAC8 gene is reported as a Variant of Uncertain Significance.